The following is an entry in ClinVar:

ClinVar aggregate classification (germline): Conflicting classifications of pathogenicity. Review status: criteria provided, conflicting classifications (1 of 4 stars). 3 submissions from 3 submitters: Uncertain significance (1); Likely benign (1). 1 of the submissions does not count toward it. Last evaluated 2026-01-11.

Conditions:
ITGB4-related disorder. Also called: ITGB4-related condition.
Junctional epidermolysis bullosa with pyloric atresia. Also called: APLASIA CUTIS CONGENITA WITH GASTROINTESTINAL ATRESIA; CARMI SYNDROME; EB-PA-ACC; EPIDERMOLYSIS BULLOSA, JUNCTIONAL 5B, WITH PYLORIC ATRESIA; ITGB4-Related Epidermolysis Bullosa with Pyloric Atresia; ITGA6-Related Epidermolysis Bullosa with Pyloric Atresia. Identifiers: Orphanet 79403, MedGen C5676875, MONDO:0009183, OMIM 226730.

Allele frequency attached by ClinVar (database versions not stated): gnomAD exomes 0.00001 and 0.00002; ExAC 0.00002; gnomAD 0.00002 and 0.00004; TOPMed 0.00003; ESP Exome Variant Server 0.00008.
gnomAD v4.1: 25 of 1,613,994 alleles (0.0015%); highest among the groups gnomAD compares: Middle Eastern, 0.033%; no homozygotes.

Submissions (3):

Labcorp Genetics (formerly Invitae), Labcorp
Classification: Likely benign. Last evaluated: 2026-01-11. Review status: criteria provided, single submitter. Criteria: Invitae Variant Classification Sherloc (09022015). Collection method: clinical testing. Allele origin: germline.

Illumina Laboratory Services, Illumina
Classification: Uncertain significance for Junctional epidermolysis bullosa with pyloric atresia. Last evaluated: 2018-01-13. Review status: criteria provided, single submitter. Criteria: ICSL Variant Classification Criteria 13 December 2019. Collection method: clinical testing. Allele origin: germline.

PreventionGenetics, part of Exact Sciences
Classification: Likely benign for ITGB4-related condition. Last evaluated: 2021-01-11. Review status: no assertion criteria provided. Collection method: clinical testing. Allele origin: germline. Not counted in ClinVar's aggregate classification.
Comment: This variant is classified as likely benign based on ACMG/AMP sequence variant interpretation guidelines (Richards et al. 2015 PMID: 25741868, with internal and published modifications).

NM_000213.5(ITGB4):c.2241G>A (p.Pro747=)

Gene: ITGB4 (integrin subunit beta 4; plus strand). Cytogenetic location: 17q25.1.
Variant type: single nucleotide variant.
Coding change: c.2241G>A on transcript NM_000213.5 (MANE Select); coding-DNA position 2241, G replaced by A.
Protein change: p.Pro747=; no amino-acid change (proline 747 retained).
Molecular consequence: synonymous variant.
Genome position (GRCh38, 1-based): chr17:75,739,692, G>A. VCF-style: chr17-75739692-G-A. GRCh37 (hg19) VCF-style: chr17-73735773-G-A.
Other names: c.2241G>A, p.Pro747= (NM_001005619.2, NM_001005731.3, NM_001321123.2).
Identifiers: ClinVar variation 888845 (VCV000888845.9), dbSNP rs377428995, ClinGen allele CA8769314.